The following is an entry in ClinVar:

NM_000718.4(CACNA1B):c.4221C>T (p.Phe1407=)

Gene: CACNA1B (calcium voltage-gated channel subunit alpha1 B; plus strand). Cytogenetic location: 9q34.3.
Variant type: single nucleotide variant.
Coding change: c.4221C>T on transcript NM_000718.4 (MANE Select); coding-DNA position 4221, C replaced by T.
Protein change: p.Phe1407=; no amino-acid change (phenylalanine 1407 retained).
Molecular consequence: synonymous variant.
Genome position (GRCh38, 1-based): chr9:138,058,163, C>T. VCF-style: chr9-138058163-C-T. GRCh37 (hg19) VCF-style: chr9-140952615-C-T.
Other names: c.4221C>T (NM_000718.3); c.4221C>T, p.Phe1407= (NM_001243812.2).
Identifiers: ClinVar variation 2167810 (VCV002167810.6), dbSNP rs201003634, ClinGen allele CA5376934.

ClinVar aggregate classification (germline): Likely benign. Review status: criteria provided, single submitter (1 of 4 stars). 2 submissions from 2 submitters: Likely benign (1). 1 of the submissions does not count toward it. Last evaluated 2025-06-14.

Conditions:
CACNA1B-related disorder. Also called: CACNA1B-related condition.

Allele frequency attached by ClinVar (database versions not stated): gnomAD exomes 0.00002; ExAC 0.00005; gnomAD 0.00014; TOPMed 0.00016; ESP Exome Variant Server 0.00024.
gnomAD v4.1: 55 of 1,613,762 alleles (0.0034%); highest among the groups gnomAD compares: African/African-American, 0.044%; no homozygotes.

Submissions (2):

Labcorp Genetics (formerly Invitae), Labcorp
Classification: Likely benign. Last evaluated: 2025-06-14. Review status: criteria provided, single submitter. Criteria: Invitae Variant Classification Sherloc (09022015). Collection method: clinical testing. Allele origin: germline.

PreventionGenetics, part of Exact Sciences
Classification: Likely benign for CACNA1B-related condition. Last evaluated: 2019-03-19. Review status: no assertion criteria provided. Collection method: clinical testing. Allele origin: germline. Not counted in ClinVar's aggregate classification.
Comment: This variant is classified as likely benign based on ACMG/AMP sequence variant interpretation guidelines (Richards et al. 2015 PMID: 25741868, with internal and published modifications).